The following is an entry in ClinVar:

ClinVar aggregate classification (germline): Conflicting classifications of pathogenicity. Review status: criteria provided, conflicting classifications (1 of 4 stars). 9 submissions from 9 submitters: Uncertain significance (5); Likely benign (3). 1 of the submissions does not count toward it. Last evaluated 2025-12-19.

Conditions:
Hereditary cancer-predisposing syndrome. Also called: Tumor predisposition; Neoplastic Syndromes, Hereditary; Hereditary neoplastic syndrome; Hereditary Cancer Syndrome. Identifiers: Orphanet 140162, MedGen C0027672, MeSH D009386, MONDO:0015356.
Familial cancer of breast. Also called: Hereditary breast cancer; BREAST CANCER, FAMILIAL; hereditary breast carcinoma. Identifiers: Orphanet 227535, MedGen C0346153, MONDO:0016419, OMIM 114480. Disease mechanism: loss of function.
Breast-ovarian cancer, familial, susceptibility to, 2 (BROVCA2). Also called: BRCA2 Hereditary Breast and Ovarian Cancer. Identifiers: Orphanet 145, MedGen C2675520, MONDO:0012933, OMIM 612555. Disease mechanism: loss of function.
Hereditary breast ovarian cancer syndrome. Also called: Hereditary breast and ovarian cancer; Hereditary breast and ovarian cancer syndrome (HBOC); Hereditary breast and/or ovarian cancer syndrome; Breast and ovarian cancer; Hereditary breast and ovarian cancer syndrome; BRCA1- and BRCA2-Associated Hereditary Breast and Ovarian Cancer. Identifiers: Orphanet 145, MedGen C0677776, MeSH D061325, MONDO:0003582. Disease mechanism: loss of function.

Allele frequency attached by ClinVar (database versions not stated): gnomAD exomes below 0.00001; ExAC 0.00001.
gnomAD v4.1: 6 of 1,613,872 alleles (0.00037%); highest among the groups gnomAD compares: East Asian, 0.0022%; no homozygotes.

Submissions (9):

Labcorp Genetics (formerly Invitae), Labcorp
Classification: Uncertain significance for Hereditary breast ovarian cancer syndrome. Last evaluated: 2025-12-19. Review status: criteria provided, single submitter. Criteria: Invitae Variant Classification Sherloc (09022015). Collection method: clinical testing. Allele origin: germline.
Comment: This sequence change replaces isoleucine, which is neutral and non-polar, with threonine, which is neutral and polar, at codon 542 of the BRCA2 protein (p.Ile542Thr). This variant is present in population databases (rs397507273, gnomAD 0.006%). This variant has not been reported in the literature in individuals affected with BRCA2-related conditions. ClinVar contains an entry for this variant (Variation ID: 37750). Invitae Evidence Modeling of protein sequence and biophysical properties (such as structural, functional, and spatial information, amino acid conservation, physicochemical variation, residue mobility, and thermodynamic stability) indicates that this missense variant is not expected to disrupt BRCA2 protein function with a negative predictive value of 95%. In summary, the available evidence is currently insufficient to determine the role of this variant in disease. Therefore, it has been classified as a Variant of Uncertain Significance.

Quest Diagnostics Nichols Institute San Juan Capistrano
Classification: Uncertain significance. Last evaluated: 2025-06-25. Review status: criteria provided, single submitter. Criteria: Quest Diagnostics criteria. Collection method: clinical testing. Allele origin: unknown.
Comment: The BRCA2 c.1625T>C (p.Ile542Thr) variant has been identified in the published literature in a reportedly unaffected individual (PMID: 33471991 (2021), see also LOVD). This variant has also been reported to be located in a region of the BRCA2 gene that is tolerant to missense sequence changes (PMID: 31911673 (2020)). The frequency of this variant in the general population (Genome Aggregation Database) is uninformative in the assessment of its pathogenicity. Analysis of this variant using bioinformatics tools for the prediction of the effect of amino acid changes on protein structure and function yielded predictions that this variant is benign. Based on the available information, we are unable to determine the clinical significance of this variant.

Myriad Genetics, Inc.
Classification: Likely benign for Breast-ovarian cancer, familial, susceptibility to, 2. Last evaluated: 2024-02-26. Review status: criteria provided, single submitter. Criteria: Myriad Autosomal Dominant, Autosomal Recessive and X-Linked Classification Criteria (2023). Collection method: clinical testing. Allele origin: unknown.
Comment: This variant is considered likely benign. This variant is strongly associated with less severe personal and family histories of cancer, typical for individuals without pathogenic variants in this gene [PMID: 25085752].

Ambry Genetics
Classification: Likely benign for Hereditary cancer-predisposing syndrome. Last evaluated: 2024-01-09. Review status: criteria provided, single submitter. Criteria: Ambry Variant Classification Scheme 2023. Collection method: clinical testing. Allele origin: germline.

University of Washington Department of Laboratory Medicine, University of Washington
Classification: Likely benign for Hereditary cancer-predisposing syndrome. Last evaluated: 2023-03-23. Review status: criteria provided, single submitter. Criteria: Dines et al. (Genet Med. 2020). Collection method: curation. Allele origin: germline.
Comment: Missense variant in a coldspot region where missense variants are very unlikely to be pathogenic (PMID:31911673).

BRCA2 exon 10 coldspot. Reclassification based on statistical prior probability.

Department of Pathology and Laboratory Medicine, Sinai Health System
Classification: Uncertain significance for Familial cancer of breast; Breast-ovarian cancer, familial, susceptibility to, 2. Last evaluated: 2023-02-28. Review status: criteria provided, single submitter. Criteria: ACMG Guidelines, 2015. Collection method: clinical testing. Allele origin: germline. Affected: yes.

Color Diagnostics, LLC DBA Color Health
Classification: Uncertain significance for Hereditary cancer-predisposing syndrome. Last evaluated: 2022-03-10. Review status: criteria provided, single submitter. Criteria: ACMG Guidelines, 2015. Collection method: clinical testing. Allele origin: germline.
Comment: This missense variant replaces isoleucine with threonine at codon 542 of the BRCA2 protein. Computational prediction suggests that this variant may not impact protein structure and function (internally defined REVEL score threshold <= 0.5, PMID: 27666373). To our knowledge, functional studies have not been reported for this variant. This variant has not been reported in individuals affected with hereditary cancer in the literature. This variant has been identified in 1/250880 chromosomes in the general population by the Genome Aggregation Database (gnomAD). The available evidence is insufficient to determine the role of this variant in disease conclusively. Therefore, this variant is classified as a Variant of Uncertain Significance.

Women's Health and Genetics/Laboratory Corporation of America, LabCorp
Classification: Uncertain significance. Last evaluated: 2017-05-15. Review status: criteria provided, single submitter. Criteria: LabCorp Variant Classification Summary - May 2015. Collection method: clinical testing. Allele origin: germline.
Comment: Variant summary: The BRCA2 c.1625T>C (p.Ile542Thr) variant involves the alteration of a non-conserved nucleotide and 3/5 in silico tools predict a benign outcome. However, these predictions have yet to be functionally assessed. This variant was found in 1/121012 control chromosomes (ExAC) at a frequency of 0.0000083, which does not exceed the estimated maximal expected allele frequency of a pathogenic BRCA2 variant (0.0007503). In addition, multiple clinical diagnostic laboratories classified this variant as uncertain significance. The variant of interest has not, to our knowledge, been reported in affected individuals via publications; nor evaluated for functional impact by in vivo/vitro studies. Because of the absence of clinical information and the lack of functional studies, the variant is classified as a "Variant of Uncertain Significance (VUS)," until additional information becomes available.

Sharing Clinical Reports Project (SCRP)
Classification: Uncertain significance for Breast-ovarian cancer, familial 2. Last evaluated: 2009-03-27. Review status: no assertion criteria provided. Collection method: clinical testing. Allele origin: germline. Not counted in ClinVar's aggregate classification.

Literature cited by the submitters: PubMed 33471991 (cited by Quest Diagnostics Nichols Institute San Juan Capistrano); PubMed 31911673 (cited by Quest Diagnostics Nichols Institute San Juan Capistrano); PubMed 31853058 (cited by Quest Diagnostics Nichols Institute San Juan Capistrano); PubMed 25085752 (cited by Myriad Genetics, Inc.).

NM_000059.4(BRCA2):c.1625T>C (p.Ile542Thr)

Gene: BRCA2 (BRCA2 DNA repair associated; plus strand). Cytogenetic location: 13q13.1.
Variant type: single nucleotide variant.
Coding change: c.1625T>C on transcript NM_000059.4 (MANE Select); coding-DNA position 1625, T replaced by C.
Protein change: p.Ile542Thr; replaces isoleucine 542 with threonine.
Molecular consequence: missense variant.
Genome position (GRCh38, 1-based): chr13:32,333,103, T>C. VCF-style: chr13-32333103-T-C. GRCh37 (hg19) VCF-style: chr13-32907240-T-C.
Other names: 1853T>C; short protein forms I542T.
Identifiers: ClinVar variation 37750 (VCV000037750.22), dbSNP rs397507273, ClinGen allele CA012660.